The following is an entry in ClinVar:

ClinVar aggregate classification (germline): Uncertain significance (1 of 4 stars; one submission).

Allele frequency attached by ClinVar (database versions not stated): gnomAD exomes below 0.00001.
gnomAD v4.1: 1 of 1,546,798 alleles (0.000065%); highest among the groups gnomAD compares: Non-Finnish European, 0.000089%; no homozygotes.

Submission:

Labcorp Genetics (formerly Invitae), Labcorp
Classification: Uncertain significance. Last evaluated: 2022-03-27. Review status: criteria provided, single submitter. Criteria: Invitae Variant Classification Sherloc (09022015). Collection method: clinical testing. Allele origin: germline.
Comment: In summary, the available evidence is currently insufficient to determine the role of this variant in disease. Therefore, it has been classified as a Variant of Uncertain Significance. Advanced modeling of protein sequence and biophysical properties (such as structural, functional, and spatial information, amino acid conservation, physicochemical variation, residue mobility, and thermodynamic stability) performed at Invitae indicates that this missense variant is not expected to disrupt BEST1 protein function. This variant has not been reported in the literature in individuals affected with BEST1-related conditions. This variant is not present in population databases (gnomAD no frequency). This sequence change replaces leucine, which is neutral and non-polar, with proline, which is neutral and non-polar, at codon 60 of the BEST1 protein (p.Leu60Pro).

NM_004183.4(BEST1):c.179T>C (p.Leu60Pro)

Gene: BEST1 (bestrophin 1; plus strand). Cytogenetic location: 11q12.3.
Variant type: single nucleotide variant.
Coding change: c.179T>C on transcript NM_004183.4 (MANE Select); coding-DNA position 179, T replaced by C.
Protein change: p.Leu60Pro; replaces leucine 60 with proline.
Molecular consequence: missense variant. On other transcripts: 5 prime UTR variant (2), non-coding transcript variant (1).
Genome position (GRCh38, 1-based): chr11:61,955,133, T>C. VCF-style: chr11-61955133-T-C. GRCh37 (hg19) VCF-style: chr11-61722605-T-C.
Other names: c.-2T>C (NM_001139443.3, NM_001300786.2, NM_001300787.2); c.179T>C, p.Leu60Pro (NM_001363592.2); short protein forms L60P.
Identifiers: ClinVar variation 2118510 (VCV002118510.4), dbSNP rs2541353658, ClinGen allele CA380833577.